The following is an entry in ClinVar:

ClinVar aggregate classification (germline): Conflicting classifications of pathogenicity. Review status: criteria provided, conflicting classifications (1 of 4 stars). 6 submissions from 6 submitters: Uncertain significance (4); Likely benign (1). 1 of the submissions does not count toward it. Last evaluated 2026-03-20.

Conditions:
Colorectal cancer. Also called: Colorectal cancer, somatic; Malignant Colorectal Neoplasm. Identifiers: MedGen C0346629, MONDO:0005575, OMIM 114500.
Oligodontia-cancer predisposition syndrome. Also called: TOOTH AGENESIS-COLORECTAL CANCER SYNDROME. Identifiers: Orphanet 300576, MedGen C1837750, MONDO:0012075, OMIM 608615. Disease mechanism: loss of function.
Carcinoma of colon (CRC). Also called: Colonic carcinoma; Colon carcinoma. Identifiers: MedGen C0699790, MONDO:0002032.
AXIN2-related disorder.
Hereditary cancer-predisposing syndrome. Also called: Neoplastic Syndromes, Hereditary; Hereditary Cancer Syndrome; Tumor predisposition; Hereditary neoplastic syndrome. Identifiers: Orphanet 140162, MedGen C0027672, MeSH D009386, MONDO:0015356.

Allele frequency attached by ClinVar (database versions not stated): gnomAD exomes 0.00002; TOPMed 0.00002; gnomAD 0.00001.

Submissions (6):

Ambry Genetics
Classification: Likely benign for Hereditary cancer-predisposing syndrome. Last evaluated: 2026-03-20. Review status: criteria provided, single submitter. Criteria: Ambry Variant Classification Scheme 2023. Collection method: clinical testing. Allele origin: germline.

Labcorp Genetics (formerly Invitae), Labcorp
Classification: Uncertain significance for Oligodontia-cancer predisposition syndrome. Last evaluated: 2026-01-26. Review status: criteria provided, single submitter. Criteria: Invitae Variant Classification Sherloc (09022015). Collection method: clinical testing. Allele origin: germline.
Comment: This sequence change replaces serine, which is neutral and polar, with asparagine, which is neutral and polar, at codon 667 of the AXIN2 protein (p.Ser667Asn). This variant is present in population databases (no rsID available, gnomAD 0.007%). This variant has not been reported in the literature in individuals affected with AXIN2-related conditions. ClinVar contains an entry for this variant (Variation ID: 240004). Invitae Evidence Modeling of protein sequence and biophysical properties (such as structural, functional, and spatial information, amino acid conservation, physicochemical variation, residue mobility, and thermodynamic stability) indicates that this missense variant is not expected to disrupt AXIN2 protein function with a negative predictive value of 80%. In summary, the available evidence is currently insufficient to determine the role of this variant in disease. Therefore, it has been classified as a Variant of Uncertain Significance.

GeneDx
Classification: Uncertain significance. Last evaluated: 2025-03-11. Review status: criteria provided, single submitter. Criteria: GeneDx Variant Classification Process June 2021. Collection method: clinical testing. Allele origin: germline. Affected: yes.
Comment: In silico analysis indicates that this missense variant does not alter protein structure/function; Observed only in controls in a melanoma case control study (PMID: 29641532); This variant is associated with the following publications: (PMID: 15735151, 29641532)

Baylor Genetics
Classification: Uncertain significance for Colorectal cancer. Last evaluated: 2024-03-12. Review status: criteria provided, single submitter. Criteria: ACMG Guidelines, 2015. Collection method: clinical testing. Allele origin: unknown.

Fulgent Genetics
Classification: Uncertain significance for Colorectal cancer; Oligodontia-cancer predisposition syndrome. Last evaluated: 2018-10-31. Review status: criteria provided, single submitter. Criteria: ACMG Guidelines, 2015. Collection method: clinical testing. Allele origin: unknown.

PreventionGenetics, part of Exact Sciences
Classification: Uncertain significance for AXIN2-related condition. Last evaluated: 2024-07-18. Review status: no assertion criteria provided. Collection method: clinical testing. Allele origin: germline. Not counted in ClinVar's aggregate classification.
Comment: The AXIN2 c.2000G>A variant is predicted to result in the amino acid substitution p.Ser667Asn. To our knowledge, this variant has not been reported in the literature in individuals affected with AXIN2-related conditions. This variant is reported in 0.0064% of alleles in individuals of African descent in gnomAD and has been interpreted as a variant of uncertain significance in ClinVar. At this time, the clinical significance of this variant is uncertain due to the absence of conclusive functional and genetic evidence.

Literature cited by the submitters: PubMed 29641532 (cited by Ambry Genetics).

NM_004655.4(AXIN2):c.2000G>A (p.Ser667Asn)

Gene: AXIN2 (axin 2; minus strand). Cytogenetic location: 17q24.1.
Variant type: single nucleotide variant.
Coding change: c.2000G>A on transcript NM_004655.4 (MANE Select); coding-DNA position 2000, G replaced by A.
Protein change: p.Ser667Asn; replaces serine 667 with asparagine.
Molecular consequence: missense variant.
Genome position (GRCh38, 1-based): chr17:65,536,461, C>T on the plus strand (G>A on the coding strand, the complement: AXIN2 is on the minus strand). VCF-style: chr17-65536461-C-T. GRCh37 (hg19) VCF-style: chr17-63532579-C-T.
Other names: c.2000G>A (LRG_296t1); c.1805G>A, p.Ser602Asn (NM_001363813.1); short protein forms S667N, S602N.
Identifiers: ClinVar variation 240004 (VCV000240004.24), dbSNP rs878854724, ClinGen allele CA10583647.